The following is an entry in ClinVar:

NM_000275.3(OCA2):c.914G>A (p.Arg305Gln)

Gene: OCA2 (OCA2 melanosomal transmembrane protein; minus strand). Cytogenetic location: 15q13.1.
Variant type: single nucleotide variant.
Coding change: c.914G>A on transcript NM_000275.3 (MANE Select); coding-DNA position 914, G replaced by A.
Protein change: p.Arg305Gln; replaces arginine 305 with glutamine.
Molecular consequence: missense variant.
Genome position (GRCh38, 1-based): chr15:28,014,906, C>T on the plus strand (G>A on the coding strand, the complement: OCA2 is on the minus strand). VCF-style: chr15-28014906-C-T. GRCh37 (hg19) VCF-style: chr15-28260052-C-T.
Other names: c.914G>A, p.Arg305Gln (NM_001300984.2); short protein forms R305Q.
Identifiers: ClinVar variation 1583398 (VCV001583398.8), dbSNP rs141603023, ClinGen allele CA7439294.

ClinVar aggregate classification (germline): Conflicting classifications of pathogenicity. Review status: criteria provided, conflicting classifications (1 of 4 stars). 2 submissions from 2 submitters: Uncertain significance (1); Likely benign (1). Last evaluated 2025-09-23.

Conditions:
Tyrosinase-positive oculocutaneous albinism (OCA2). Also called: Albinism, oculocutaneous, type II; ALBINISM II; Oculocutaneous albinism type 2. Identifiers: Orphanet 79432, MedGen C0268495, MONDO:0008746, OMIM 203200.

Allele frequency attached by ClinVar (database versions not stated): gnomAD exomes 0.00004 and 0.00008; gnomAD 0.00005 and 0.00006; TOPMed 0.00005; ExAC 0.00008; 1000 Genomes Project 30x 0.00016; 1000 Genomes Project 0.00020.
gnomAD v4.1: 66 of 1,614,112 alleles (0.0041%); highest among the groups gnomAD compares: Middle Eastern, 0.066%; no homozygotes.

Submissions (2):

Labcorp Genetics (formerly Invitae), Labcorp
Classification: Likely benign. Last evaluated: 2025-09-23. Review status: criteria provided, single submitter. Criteria: Invitae Variant Classification Sherloc (09022015). Collection method: clinical testing. Allele origin: germline.

Neuberg Centre For Genomic Medicine, NCGM
Classification: Uncertain significance for Tyrosinase-positive oculocutaneous albinism. Review status: criteria provided, single submitter. Criteria: ACMG Guidelines, 2015. Collection method: clinical testing. Allele origin: germline. Inheritance: Autosomal recessive inheritance. Affected: yes.
Comment: The amino acid Arg at position 305 is changed to a Gln changing protein sequence and it might alter its composition and physico-chemical properties. In silico tools predict the variant to be tolerated. The residue is conserved across species. The amino acid change in OCA2 is predicted as conserved by GERP++ and PhyloP across 100 vertebrates. The variant is reported in gnomAD with the allele frequency of 0.00007787. Most carriers are normally asymptomatic as pathologic mutation in one copy of the OCA2 gene does not result in OCA. However, some individuals have been reported to have mild phenotypes, such as a small degree of iris transillumination, or hair and skin hypopigmentation in a heterozygous state (Sang Yoon Lee et al). For these reasons, this variant has been classified as uncertain significance.